The following is an entry in ClinVar:

ClinVar aggregate classification (germline): Benign. Review status: criteria provided, multiple submitters, no conflicts (2 of 4 stars). 6 submissions from 6 submitters: Benign (5). 1 of the submissions does not count toward it. Last evaluated 2026-01-27.

Conditions:
Multiple mitochondrial dysfunctions syndrome 1 (MMDS1). Identifiers: Orphanet 401869, MedGen C3276432, MONDO:0011582, OMIM 605711.

Allele frequency attached by ClinVar (database versions not stated): 1000 Genomes Project 0.01238; 1000 Genomes Project 30x 0.01265; ExAC 0.01995; gnomAD exomes 0.02030; gnomAD 0.02181 and 0.02312; TOPMed 0.02292; ESP Exome Variant Server 0.02776.

Submissions (6):

Labcorp Genetics (formerly Invitae), Labcorp
Classification: Benign for Multiple mitochondrial dysfunctions syndrome 1. Last evaluated: 2026-01-27. Review status: criteria provided, single submitter. Criteria: Invitae Variant Classification Sherloc (09022015). Collection method: clinical testing. Allele origin: germline.

Blueprint Genetics
Classification: Benign. Last evaluated: 2024-11-26. Review status: criteria provided, single submitter. Criteria: ACMG Guidelines, 2015. Collection method: clinical testing. Allele origin: germline.

Illumina Laboratory Services, Illumina
Classification: Benign for Multiple mitochondrial dysfunctions syndrome 1. Last evaluated: 2018-01-13. Review status: criteria provided, single submitter. Criteria: ICSL Variant Classification Criteria 13 December 2019. Collection method: clinical testing. Allele origin: germline.
Comment: This variant was observed in the ICSL laboratory as part of a predisposition screen in an ostensibly healthy population. It had not been previously curated by ICSL or reported in the Human Gene Mutation Database (HGMD: prior to June 1st, 2018), and was therefore a candidate for classification through an automated scoring system. Utilizing variant allele frequency, disease prevalence and penetrance estimates, and inheritance mode, an automated score was calculated to assess if this variant is too frequent to cause the disease. Based on the score and internal cut-off values, a variant classified as benign is not then subjected to further curation. The score for this variant resulted in a classification of benign for this disease.

GeneDx
Classification: Benign. Last evaluated: 2014-03-03. Review status: criteria provided, single submitter. Criteria: GeneDx Variant Classification (06012015). Collection method: clinical testing. Allele origin: germline. Affected: yes.
Comment: This variant is considered likely benign or benign based on one or more of the following criteria: it is a conservative change, it occurs at a poorly conserved position in the protein, it is predicted to be benign by multiple in silico algorithms, and/or has population frequency not consistent with disease.

Breakthrough Genomics
Classification: Benign. Review status: criteria provided, single submitter. Criteria: ACMG Guidelines, 2015. Collection method: not provided. Allele origin: germline. Inheritance: Autosomal recessive inheritance. Affected: yes.

Mayo Clinic Laboratories, Mayo Clinic
Classification: Likely benign. Last evaluated: 2016-02-22. Review status: no assertion criteria provided. Collection method: clinical testing. Allele origin: unknown. Not counted in ClinVar's aggregate classification.

NM_001002755.4(NFU1):c.286C>T (p.Arg96Cys)

Gene: NFU1 (NFU1 iron-sulfur cluster scaffold; minus strand). Cytogenetic location: 2p13.3.
Variant type: single nucleotide variant.
Coding change: c.286C>T on transcript NM_001002755.4 (MANE Select); coding-DNA position 286, C replaced by T.
Protein change: p.Arg96Cys; replaces arginine 96 with cysteine.
Molecular consequence: missense variant. On other transcripts: intron variant (1).
Genome position (GRCh38, 1-based): chr2:69,423,598, G>A on the plus strand (C>T on the coding strand, the complement: NFU1 is on the minus strand). VCF-style: chr2-69423598-G-A. GRCh37 (hg19) VCF-style: chr2-69650730-G-A.
Other names: p.R96C:CGC>TGC; c.214C>T, p.Arg72Cys (NM_001374284.1, NM_015700.4); c.-121-3994C>T (NM_001002756.2); short protein forms R96C, R72C.
Identifiers: ClinVar variation 138514 (VCV000138514.19), dbSNP rs74637005, ClinGen allele CA292529.